The following is an entry in ClinVar:

ClinVar aggregate classification (germline): Uncertain significance. Review status: criteria provided, multiple submitters, no conflicts (2 of 4 stars). 3 submissions from 3 submitters: Uncertain significance (2). 1 of the submissions does not count toward it. Last evaluated 2024-06-06.

Conditions:
Telangiectasia, hereditary hemorrhagic, type 2 (HHT2). Also called: ACVRL1-Related Hereditary Hemorrhagic Telangiectasia; Telangiectasia, hereditary hemorrhagic, type II. Identifiers: Orphanet 774, MedGen C1838163, MONDO:0010880, OMIM 600376. Disease mechanism: loss of function.
Abnormal bleeding. Also called: Bleeding diathesis. Identifiers: MedGen C1458140, HP:0001892.
Thrombocytopenia. Identifiers: MedGen C0040034, MeSH D013921, MONDO:0002049, HP:0001873.

Allele frequency attached by ClinVar (database versions not stated): gnomAD exomes below 0.00001; ExAC 0.00001; TOPMed 0.00001.
gnomAD v4.1: 5 of 1,614,174 alleles (0.00031%); highest among the groups gnomAD compares: East Asian, 0.0022%; no homozygotes.

Submissions (3):

GeneDx
Classification: Uncertain significance. Last evaluated: 2024-06-06. Review status: criteria provided, single submitter. Criteria: GeneDx Variant Classification Process June 2021. Collection method: clinical testing. Allele origin: germline. Affected: yes.
Comment: Has been observed in a patient with a bleeding disorder, thrombocytopenia, and secretion defects; this individual also harbored a nonsense variant in the RUNX1 gene and a missense variant in the ITGB3 gene (PMID: 32935436); Not observed at significant frequency in large population cohorts (gnomAD); In silico analysis supports that this missense variant has a deleterious effect on protein structure/function; This variant is associated with the following publications: (PMID: 32935436)

Fulgent Genetics
Classification: Uncertain significance for Telangiectasia, hereditary hemorrhagic, type 2. Last evaluated: 2024-02-23. Review status: criteria provided, single submitter. Criteria: ACMG Guidelines, 2015. Collection method: clinical testing. Allele origin: germline.

Birmingham Platelet Group; University of Birmingham
Classification: Likely pathogenic for Thrombocytopenia; Abnormal bleeding. Last evaluated: 2020-05-01. Review status: no assertion criteria provided. Collection method: research. Allele origin: germline. Affected: yes. Not counted in ClinVar's aggregate classification.

NM_000020.3(ACVRL1):c.653G>A (p.Arg218Gln)

Gene: ACVRL1 (activin A receptor like type 1; plus strand). Cytogenetic location: 12q13.13.
Variant type: single nucleotide variant.
Coding change: c.653G>A on transcript NM_000020.3 (MANE Select); coding-DNA position 653, G replaced by A.
Protein change: p.Arg218Gln; replaces arginine 218 with glutamine.
Molecular consequence: missense variant.
Genome position (GRCh38, 1-based): chr12:51,914,466, G>A. VCF-style: chr12-51914466-G-A. GRCh37 (hg19) VCF-style: chr12-52308250-G-A.
Other names: c.653G>A, p.Arg218Gln (NM_001077401.2); c.653G>A (NM_000020.2); short protein forms R218Q.
Identifiers: ClinVar variation 988834 (VCV000988834.3), dbSNP rs779287554, ClinGen allele CA6572963.